The following is an entry in ClinVar:

NM_006734.4(HIVEP2):c.2516G>A (p.Ser839Asn)

Gene: HIVEP2 (HIVEP zinc finger 2; minus strand). Cytogenetic location: 6q24.2.
Variant type: single nucleotide variant.
Coding change: c.2516G>A on transcript NM_006734.4 (MANE Select); coding-DNA position 2516, G replaced by A.
Protein change: p.Ser839Asn; replaces serine 839 with asparagine.
Molecular consequence: missense variant.
Genome position (GRCh38, 1-based): chr6:142,772,223, C>T on the plus strand (G>A on the coding strand, the complement: HIVEP2 is on the minus strand). VCF-style: chr6-142772223-C-T. GRCh37 (hg19) VCF-style: chr6-143093360-C-T.
Other names: short protein forms S839N.
Identifiers: ClinVar variation 709782 (VCV000709782.11), dbSNP rs202210526, ClinGen allele CA4028401.
Genomic context (GRCh38, chr6:142,772,223, plus strand): 5'-CTTTCTGCACCATCCCCAGGTGGAGCCCACTCAGGACTCACTGGGGCTTCTGAAATCTCA[C>T]TGTCACAAGTCTCTGAAGGGGAAGGGGCTTTATCCTGTGTGCAAGCCACAAGTTCGGCTG-3'
Protein context (NP_006725.3, residues 829-849): KAPSPSETCD[Ser839Asn]EISEAPVSPE

ClinVar aggregate classification (germline): Likely benign. Review status: criteria provided, multiple submitters, no conflicts (2 of 4 stars). 3 submissions from 3 submitters: Likely benign (2). 1 of the submissions does not count toward it. Last evaluated 2026-01-01.

Conditions:
Inborn genetic diseases. Identifiers: MedGen C0950123, MeSH D030342.
HIVEP2-related disorder. Also called: HIVEP2-related condition.

Allele frequency attached by ClinVar (database versions not stated): ExAC 0.00025; ESP Exome Variant Server 0.00090; 1000 Genomes Project 0.00100; gnomAD 0.00114 and 0.00126; 1000 Genomes Project 30x 0.00125; TOPMed 0.00127; gnomAD exomes 0.00009 and 0.00023.
gnomAD v4.1: 308 of 1,614,210 alleles (0.019%); highest among the groups gnomAD compares: African/African-American, 0.37%; no homozygotes.

Submissions (3):

Labcorp Genetics (formerly Invitae), Labcorp
Classification: Likely benign. Last evaluated: 2026-01-01. Review status: criteria provided, single submitter. Criteria: Invitae Variant Classification Sherloc (09022015). Collection method: clinical testing. Allele origin: germline.

Ambry Genetics
Classification: Likely benign for Inborn genetic diseases. Last evaluated: 2025-11-06. Review status: criteria provided, single submitter. Criteria: Ambry Variant Classification Scheme 2023. Collection method: clinical testing. Allele origin: germline.

PreventionGenetics, part of Exact Sciences
Classification: Likely benign for HIVEP2-related condition. Last evaluated: 2019-08-28. Review status: no assertion criteria provided. Collection method: clinical testing. Allele origin: germline. Not counted in ClinVar's aggregate classification.
Comment: This variant is classified as likely benign based on ACMG/AMP sequence variant interpretation guidelines (Richards et al. 2015 PMID: 25741868, with internal and published modifications).